The following is an entry in ClinVar:

NM_001127198.5(TMC6):c.1672G>A (p.Val558Ile)

Gene: TMC6 (transmembrane channel like 6; minus strand). Cytogenetic location: 17q25.3.
Variant type: single nucleotide variant.
Coding change: c.1672G>A on transcript NM_001127198.5 (MANE Select); coding-DNA position 1672, G replaced by A.
Protein change: p.Val558Ile; replaces valine 558 with isoleucine.
Molecular consequence: missense variant. On other transcripts: non-coding transcript variant (4), intron variant (2).
Genome position (GRCh38, 1-based): chr17:78,120,696, C>T on the plus strand (G>A on the coding strand, the complement: TMC6 is on the minus strand). VCF-style: chr17-78120696-C-T. GRCh37 (hg19) VCF-style: chr17-76116777-C-T.
Other names: c.1672G>A, p.Val558Ile (NM_001321185.1, NM_001374596.1, NM_001375353.1 and 2 more transcripts); c.1535+317G>A (NM_001374594.1, NM_001374593.1); short protein forms V558I.
Identifiers: ClinVar variation 374510 (VCV000374510.46), dbSNP rs199724291, ClinGen allele CA8795656.
Genomic context (GRCh38, chr17:78,120,696, plus strand): 5'-GCCCAGGACCCCCTCACCTCCACACCAGTTCCCCAAAAAGCGTGTCCAGCAACATGAGGA[C>T]GAAGTCCATCACCAGGAACCGGTACAGCTCCTGGCCCACAAAATCCTCCCAGCACTGGCC-3'
Protein context (NP_001120670.1, residues 548-568): ELYRFLVMDF[Val558Ile]LMLLDTLFGE

ClinVar aggregate classification (germline): Conflicting classifications of pathogenicity. Review status: criteria provided, conflicting classifications (1 of 4 stars). 3 submissions from 3 submitters: Uncertain significance (2); Likely benign (1). Last evaluated 2025-02-16.

Conditions:
Epidermodysplasia verruciformis. Identifiers: Orphanet 302, MedGen C0014522, MONDO:0009176.

Allele frequency attached by ClinVar (database versions not stated): ESP Exome Variant Server 0.00008; gnomAD exomes 0.00015 and 0.00017; 1000 Genomes Project 30x 0.00016; TOPMed 0.00017; 1000 Genomes Project 0.00020; ExAC 0.00020; gnomAD 0.00043 and 0.00045.
gnomAD v4.1: 276 of 1,614,004 alleles (0.017%); highest among the groups gnomAD compares: African/African-American, 0.041%; no homozygotes.

Submissions (3):

Laboratory of Genetics, Children's Clinical University Hospital Latvia
Classification: Likely benign. Last evaluated: 2025-02-16. Review status: criteria provided, single submitter. Criteria: ACMG Guidelines, 2015. Collection method: clinical testing. Allele origin: germline. Affected: yes.

Labcorp Genetics (formerly Invitae), Labcorp
Classification: Uncertain significance for Epidermodysplasia verruciformis. Last evaluated: 2022-10-24. Review status: criteria provided, single submitter. Criteria: Invitae Variant Classification Sherloc (09022015). Collection method: clinical testing. Allele origin: germline.
Comment: This sequence change replaces valine, which is neutral and non-polar, with isoleucine, which is neutral and non-polar, at codon 558 of the TMC6 protein (p.Val558Ile). This variant is present in population databases (rs199724291, gnomAD 0.1%). This variant has not been reported in the literature in individuals affected with TMC6-related conditions. ClinVar contains an entry for this variant (Variation ID: 374510). Algorithms developed to predict the effect of missense changes on protein structure and function output the following: SIFT: "Not Available"; PolyPhen-2: "Benign"; Align-GVGD: "Not Available". The isoleucine amino acid residue is found in multiple mammalian species, which suggests that this missense change does not adversely affect protein function. In summary, the available evidence is currently insufficient to determine the role of this variant in disease. Therefore, it has been classified as a Variant of Uncertain Significance.

CeGaT Center for Human Genetics Tuebingen
Classification: Uncertain significance. Last evaluated: 2016-08-01. Review status: criteria provided, single submitter. Criteria: CeGaT Center For Human Genetics Tuebingen Variant Classification Criteria Version 2. Collection method: clinical testing. Allele origin: germline. Affected: yes. Observed: 1 variant allele.